The following is an entry in ClinVar:

ClinVar aggregate classification (germline): Uncertain significance. Review status: criteria provided, multiple submitters, no conflicts (2 of 4 stars). 3 submissions from 3 submitters: Uncertain significance (2). 1 of the submissions does not count toward it. Last evaluated 2020-11-23.

Conditions:
PPARG-related disorder. Also called: PPARG-related condition; PPARG-related disorders.
Inborn genetic diseases. Identifiers: MedGen C0950123, MeSH D030342.

Allele frequency attached by ClinVar (database versions not stated): ExAC 0.00001; gnomAD exomes 0.00001; TOPMed 0.00002; ESP Exome Variant Server 0.00008.
gnomAD v4.1: 10 of 1,613,894 alleles (0.00062%); highest among the groups gnomAD compares: Middle Eastern, 0.017%; no homozygotes.

Submissions (3):

Ambry Genetics
Classification: Uncertain significance for Inborn genetic diseases. Last evaluated: 2020-11-23. Review status: criteria provided, single submitter. Criteria: Ambry Variant Classification Scheme 2023. Collection method: clinical testing. Allele origin: germline.

Breakthrough Genomics
Classification: Uncertain significance. Review status: criteria provided, single submitter. Criteria: ACMG Guidelines, 2015. Collection method: not provided. Allele origin: germline. Inheritance: Autosomal recessive inheritance. Affected: yes.

PreventionGenetics, part of Exact Sciences
Classification: Uncertain significance for PPARG-related condition. Last evaluated: 2024-03-11. Review status: no assertion criteria provided. Collection method: clinical testing. Allele origin: germline. Not counted in ClinVar's aggregate classification.
Comment: The PPARG c.250A>C variant is predicted to result in the amino acid substitution p.Thr84Pro. This variant has been predicted to be unlikely to be pathogenic regarding the development of familial partial lipodystrophy 3 (FPLD3) or Type 2 Diabetes based on a functional assay of over 9000 variants measuring CD36+ expression in response to PPAR-gamma stimulation (Figure 1, Majithia et al. 2016. PubMed ID: 27749844). It is not clear whether the p.Thr84Pro variant impact was experimentally assessed itself or predicted by using functional data from other similar variants. This variant is reported in 0.0062% of alleles in individuals of African descent in gnomAD. At this time, the clinical significance of this variant is uncertain due to the absence of conclusive functional and genetic evidence.

NM_138711.6(PPARG):c.160A>C (p.Thr54Pro)

Gene: PPARG (peroxisome proliferator activated receptor gamma; plus strand). Cytogenetic location: 3p25.2.
Variant type: single nucleotide variant.
Coding change: c.160A>C on transcript NM_138711.6 (MANE Select); coding-DNA position 160, A replaced by C.
Protein change: p.Thr54Pro; replaces threonine 54 with proline.
Molecular consequence: missense variant. On other transcripts: 5 prime UTR variant (1).
Genome position (GRCh38, 1-based): chr3:12,379,871, A>C. VCF-style: chr3-12379871-A-C. GRCh37 (hg19) VCF-style: chr3-12421370-A-C.
Other names: c.160A>C, p.Thr54Pro (NM_001330615.4, NM_001354666.3, NM_001354667.3 and 6 more transcripts); c.250A>C, p.Thr84Pro (NM_001354668.2, NM_001374265.1, NM_015869.5); c.-268A>C (NM_001354669.2); c.166A>C, p.Thr56Pro (NM_001354670.2, NM_001374266.1); short protein forms T56P, T84P, T54P.
Identifiers: ClinVar variation 2220596 (VCV002220596.4), dbSNP rs375156001, ClinGen allele CA2258108.